The following is an entry in ClinVar:

ClinVar aggregate classification (germline): Conflicting classifications of pathogenicity. Review status: criteria provided, conflicting classifications (1 of 4 stars). 4 submissions from 4 submitters: Uncertain significance (3); Likely benign (1). Last evaluated 2026-04-01.

Conditions:
Dilated cardiomyopathy 1G (CMD1G). Identifiers: Orphanet 154, MedGen C1858763, MONDO:0011400, OMIM 604145.
Autosomal recessive limb-girdle muscular dystrophy type 2J (LGMDR10). Also called: Limb-girdle muscular dystrophy, type 2J; MUSCULAR DYSTROPHY, LIMB-GIRDLE, AUTOSOMAL RECESSIVE 10. Identifiers: Orphanet 140922, MedGen C1837342, MONDO:0012127, OMIM 608807.
Early-onset myopathy with fatal cardiomyopathy (CMYO5). Also called: Salih Myopathy; CONGENITAL MYOPATHY 5 WITH CARDIOMYOPATHY. Identifiers: Orphanet 289377, MedGen C2673677, MONDO:0012714, OMIM 611705. Disease mechanism: loss of function.
Tibial muscular dystrophy (TMD). Also called: UDD MYOPATHY; Tibial muscular dystrophy, tardive; Udd Distal Myopathy – Tibial Muscular Dystrophy. Identifiers: Orphanet 609, MedGen C1838244, MONDO:0010870, OMIM 600334.
Myopathy, myofibrillar, 9, with early respiratory failure (MFM9). Also called: Hereditary myopathy with early respiratory failure; MYOPATHY, PROXIMAL, WITH EARLY RESPIRATORY MUSCLE INVOLVEMENT; Myopathy, distal, with early respiratory failure, autosomal dominant; EDSTROM MYOPATHY. Identifiers: Orphanet 178464, Orphanet 34521, MedGen C1863599, MONDO:0011362, OMIM 603689.
Hypertrophic cardiomyopathy 9. Also called: Familial hypertrophic cardiomyopathy 9. Identifiers: MedGen C1861065, MONDO:0013412, OMIM 613765.

Allele frequency attached by ClinVar (database versions not stated): ExAC 0.00001; gnomAD 0.00001; gnomAD exomes 0.00001; TOPMed 0.00001.
gnomAD v4.1: 21 of 1,614,038 alleles (0.0013%); highest among the groups gnomAD compares: Non-Finnish European, 0.0018%; no homozygotes.

Submissions (4):

CeGaT Center for Human Genetics Tuebingen
Classification: Uncertain significance. Last evaluated: 2026-04-01. Review status: criteria provided, single submitter. Criteria: CeGaT Center For Human Genetics Tuebingen Variant Classification Criteria Version 2. Collection method: clinical testing. Allele origin: germline. Affected: yes. Observed: 1 variant allele.
Comment: TTN: PM2

Blueprint Genetics
Classification: Likely benign. Last evaluated: 2024-11-15. Review status: criteria provided, single submitter. Criteria: ACMG Guidelines, 2015. Collection method: clinical testing. Allele origin: germline.

Fulgent Genetics
Classification: Uncertain significance for Tibial muscular dystrophy; Myopathy, myofibrillar, 9, with early respiratory failure; Dilated cardiomyopathy 1G; Autosomal recessive limb-girdle muscular dystrophy type 2J; Early-onset myopathy with fatal cardiomyopathy; Hypertrophic cardiomyopathy 9. Last evaluated: 2018-10-31. Review status: criteria provided, single submitter. Criteria: ACMG Guidelines, 2015. Collection method: clinical testing. Allele origin: unknown.

Labcorp Genetics (formerly Invitae), Labcorp
Classification: Uncertain significance for Dilated cardiomyopathy 1G; Autosomal recessive limb-girdle muscular dystrophy type 2J. Last evaluated: 2017-10-08. Review status: criteria provided, single submitter. Criteria: Invitae Variant Classification Sherloc (09022015). Collection method: clinical testing. Allele origin: germline.

NM_001267550.2(TTN):c.5633G>A (p.Gly1878Glu)

Gene: TTN (titin; minus strand). Cytogenetic location: 2q31.2.
Variant type: single nucleotide variant.
Coding change: c.5633G>A on transcript NM_001267550.2 (MANE Select); coding-DNA position 5633, G replaced by A.
Protein change: p.Gly1878Glu; replaces glycine 1878 with glutamic acid.
Molecular consequence: missense variant.
Genome position (GRCh38, 1-based): chr2:178,776,231, C>T on the plus strand (G>A on the coding strand, the complement: TTN is on the minus strand). VCF-style: chr2-178776231-C-T. GRCh37 (hg19) VCF-style: chr2-179640958-C-T.
Other names: c.5633G>A, p.Gly1878Glu (NM_001256850.1, NM_133378.4, NM_133379.5); c.5495G>A, p.Gly1832Glu (NM_003319.4, NM_133432.3, NM_133437.4); short protein forms G1878E, G1832E.
Identifiers: ClinVar variation 467288 (VCV000467288.7), dbSNP rs745311218, ClinGen allele CA2005153.